The following is an entry in ClinVar:

NM_031443.4(CCM2):c.683_686del (p.Phe228fs)

Gene: CCM2 (CCM2 scaffold protein; plus strand). Cytogenetic location: 7p13.
Variant type: Deletion.
Coding change: c.683_686del on transcript NM_031443.4 (MANE Select); coding-DNA positions 683 to 686, 4 bases deleted (TTCT; older notation c.683_686delTTCT).
Protein change: p.Phe228fs; shifts the reading frame from phenylalanine 228.
Molecular consequence: frameshift variant. On other transcripts: non-coding transcript variant (1), intron variant (1).
Genome position (GRCh38, 1-based): chr7:45,069,899-45,069,902, TTCT deleted; deleting any 4 consecutive bases within chr7:45,069,897-45,069,902 gives the same sequence; the c. name uses the placement nearest the transcript's 3' end. VCF-style (leftmost placement, unchanged base first): chr7-45069896-ACTTT-A. GRCh37 (hg19) VCF-style: chr7-45109495-ACTTT-A.
Other names: c.746_749del, p.Phe249fs (NM_001029835.2); c.509_512del, p.Phe170fs (NM_001167934.2, NM_001363459.2); c.683_686del, p.Phe228fs (NM_001363458.2); c.473-2827_473-2824del (NM_001167935.2); c.683_686delTTCT (NM_031443.3); short protein forms F170fs, F228fs, F249fs.
Identifiers: ClinVar variation 429700 (VCV000429700.3), dbSNP rs1131691538, ClinGen allele CA645369402.

ClinVar aggregate classification (germline): Pathogenic/Likely pathogenic. Review status: criteria provided, multiple submitters, no conflicts (2 of 4 stars). 3 submissions from 3 submitters: Pathogenic (2); Likely pathogenic (1). Last evaluated 2025-11-20.

Conditions:
Cerebral cavernous malformation 2. Also called: Familial Cerebral Cavernous Malformation 2. Identifiers: Orphanet 221061, MedGen C1864041, MONDO:0011304, OMIM 603284.
CCM2-related disorder. Also called: CCM2-related condition.

Submissions (3):

Clinical Genomics Laboratory, Washington University in St. Louis
Classification: Pathogenic for Cerebral cavernous malformation 2. Last evaluated: 2025-11-20. Review status: criteria provided, single submitter. Criteria: ACMG Guidelines, 2015. Collection method: clinical testing. Allele origin: germline. Affected: yes.
Comment: A CCM2 c.683_686del (p.Phe228Trpfs*63) variant was identified at a near heterozygous allelic fraction of 42.9%, a frequency which may be consistent with it being of germline origin. The CCM2 c.683_686del (p.Phe228Trpfs*63) variant, to our knowledge, has not been reported in the medical literature but has been reported in the ClinVar database as a germline pathogenic variant by one submitter (ClinVar Variation ID: 429700). This variant is only observed in 2/1,614,142 alleles in the general population (gnomAD v4.1.0), indicating it is not a common variant. This variant causes a frameshift by deleting four nucleotides, leading to a premature termination codon, which is predicted to lead to nonsense mediated decay. Based on available information and the ACMG/AMP guidelines for variant interpretation (Richards S et al., PMID: 25741868), this CCM2 c.683_686del (p.Phe228Trpfs*63) variant is classified as pathogenic.

Blueprint Genetics
Classification: Likely pathogenic for CCM2-related disorders. Last evaluated: 2023-11-13. Review status: criteria provided, single submitter. Criteria: ACMG Guidelines, 2015. Collection method: clinical testing. Allele origin: germline. Affected: yes. Observed: 2 variant alleles.

GeneDx
Classification: Pathogenic. Last evaluated: 2015-08-19. Review status: criteria provided, single submitter. Criteria: GeneDx Variant Classification (06012015). Collection method: clinical testing. Allele origin: germline. Affected: yes.
Comment: The c.683_686delTTCT pathogenic variant in the CCM2 gene causes a frameshift starting withcodon phenylalanine 228, changes this amino acid to a tryptophan residue and creates a prematureStop codon at position 63 of the new reading frame, denoted p.Phe228TrpfsX63. This pathogenicvariant is predicted to cause loss of normal protein function either through protein truncation ornonsense-mediated mRNA decay. In addition, the c.683_686delTTCT variant was not observed inapproximately 6,500 individuals of European and African American ancestry in the NHLBI ExomeSequencing Project, indicating it is not a common benign variant in these populations.